The following is an entry in ClinVar:

ClinVar aggregate classification (germline): Uncertain significance. Review status: criteria provided, multiple submitters, no conflicts (2 of 4 stars). 2 submissions from 2 submitters: Uncertain significance (2). Last evaluated 2023-10-25.

Conditions:
Inborn genetic diseases. Identifiers: MedGen C0950123, MeSH D030342.

Allele frequency attached by ClinVar (database versions not stated): gnomAD 0.00002; TOPMed 0.00004; ESP Exome Variant Server 0.00023.
gnomAD v4.1: 46 of 1,613,836 alleles (0.0029%); highest among the groups gnomAD compares: Middle Eastern, 0.017%; no homozygotes.

Submissions (2):

Ambry Genetics
Classification: Uncertain significance for Inborn genetic diseases. Last evaluated: 2023-10-25. Review status: criteria provided, single submitter. Criteria: Ambry Variant Classification Scheme 2023. Collection method: clinical testing. Allele origin: germline.

Labcorp Genetics (formerly Invitae), Labcorp
Classification: Uncertain significance. Last evaluated: 2022-08-08. Review status: criteria provided, single submitter. Criteria: Invitae Variant Classification Sherloc (09022015). Collection method: clinical testing. Allele origin: germline.
Comment: This sequence change replaces threonine, which is neutral and polar, with methionine, which is neutral and non-polar, at codon 631 of the ARMC9 protein (p.Thr631Met). This variant is present in population databases (rs147080561, gnomAD 0.004%). This variant has not been reported in the literature in individuals affected with ARMC9-related conditions. In summary, the available evidence is currently insufficient to determine the role of this variant in disease. Therefore, it has been classified as a Variant of Uncertain Significance.

NM_001352754.2(ARMC9):c.1892C>T (p.Thr631Met)

Gene: ARMC9 (armadillo repeat containing 9; plus strand). Cytogenetic location: 2q37.1.
Variant type: single nucleotide variant.
Coding change: c.1892C>T on transcript NM_001352754.2 (MANE Select); coding-DNA position 1892, C replaced by T.
Protein change: p.Thr631Met; replaces threonine 631 with methionine.
Molecular consequence: missense variant. On other transcripts: non-coding transcript variant (1).
Genome position (GRCh38, 1-based): chr2:231,344,988, C>T. VCF-style: chr2-231344988-C-T. GRCh37 (hg19) VCF-style: chr2-232209700-C-T.
Other names: c.1892C>T, p.Thr631Met (NM_001271466.4, NM_001291656.2, NM_001352755.2 and 2 more transcripts); c.1793C>T, p.Thr598Met (NM_001352757.2, NM_001352758.2); c.1787C>T, p.Thr596Met (NM_001352759.2); short protein forms T598M, T596M, T631M.
Identifiers: ClinVar variation 1902680 (VCV001902680.3), dbSNP rs147080561, ClinGen allele CA2160538.
Genomic context (GRCh38, chr2:231,344,988, plus strand): 5'-CTCTAATAGATATTTCTCCAGCCCTTTTTTCTCTTTCCTTCCACCAGATCATGACCAACA[C>T]GGGGAAGACAAGGCGGAAGGGGCTGGCTAATGTGCAGTGGAGCGGGGATGAGCCCCTGCA-3'
Protein context (NP_001339683.2, residues 621-641): TTEYLGIMTN[Thr631Met]GKTRRKGLAN